The following is an entry in ClinVar:

ClinVar aggregate classification (germline): Likely pathogenic (1 of 4 stars; one submission).

Submission:

GeneDx
Classification: Likely pathogenic. Last evaluated: 2026-01-27. Review status: criteria provided, single submitter. Criteria: GeneDx Variant Classification Process June 2021. Collection method: clinical testing. Allele origin: germline. Affected: yes.
Comment: Not observed at significant frequency in large population cohorts (gnomAD); In silico analysis suggests that this missense variant does not alter protein structure/function; Missense variants in this gene are a common cause of disease and they are underrepresented in the general population; Has not been previously published as pathogenic or benign to our knowledge

NM_001614.5(ACTG1):c.424C>G (p.Leu142Val)

Gene: ACTG1 (actin gamma 1; minus strand). Cytogenetic location: 17q25.3.
Variant type: single nucleotide variant.
Coding change: c.424C>G on transcript NM_001614.5 (MANE Select); coding-DNA position 424, C replaced by G.
Protein change: p.Leu142Val; replaces leucine 142 with valine.
Molecular consequence: missense variant. On other transcripts: non-coding transcript variant (1).
Genome position (GRCh38, 1-based): chr17:81,511,566, G>C on the plus strand (C>G on the coding strand, the complement: ACTG1 is on the minus strand). VCF-style: chr17-81511566-G-C. GRCh37 (hg19) VCF-style: chr17-79478592-G-C.
Other names: c.424C>G, p.Leu142Val (NM_001199954.3); short protein forms L142V.
Identifiers: ClinVar variation 1806648 (VCV001806648.3), dbSNP rs2544389713, ClinGen allele CA401461259.
Genomic context (GRCh38, chr17:81,511,566, plus strand): 5'-TGTGGGTGACCCCGTCTCCAGAGTCCATGACAATGCCAGTGGTGCGCCCAGAGGCGTAGA[G>C]GGACAGCACGGCCTGGATGGCCACGTACATGGCCGGGGTGTTGAAGGTCTCAAACATAAT-3'
Protein context (NP_001605.1, residues 132-152): MYVAIQAVLS[Leu142Val]YASGRTTGIV